The following is an entry in ClinVar:

NM_006231.4(POLE):c.2567C>T (p.Pro856Leu)

Gene: POLE (DNA polymerase epsilon, catalytic subunit; minus strand). Cytogenetic location: 12q24.33.
Variant type: single nucleotide variant.
Coding change: c.2567C>T on transcript NM_006231.4 (MANE Select); coding-DNA position 2567, C replaced by T.
Protein change: p.Pro856Leu; replaces proline 856 with leucine.
Molecular consequence: missense variant.
Genome position (GRCh38, 1-based): chr12:132,664,143, G>A on the plus strand (C>T on the coding strand, the complement: POLE is on the minus strand). VCF-style: chr12-132664143-G-A. GRCh37 (hg19) VCF-style: chr12-133240729-G-A.
Other names: c.2567C>T (NM_006231.2); short protein forms P856L.
Identifiers: ClinVar variation 855178 (VCV000855178.10), dbSNP rs764120735, ClinGen allele CA246318696.
Genomic context (GRCh38, chr12:132,664,143, plus strand): 5'-AAATTTTCTGGGAAGCTGTTGGGCAGGACGCACCATATACCATCTGTGTCCAGCTCTAAG[G>A]GCCTCCTTCAGAGAAAGAGAGGAGCAAGGTCGTGAGTTCCCCTTTCCTTTTCACCCAGTG-3'
Protein context (NP_006222.2, residues 846-866): ARELIEQIGR[Pro856Leu]LELDTDGIWC

ClinVar aggregate classification (germline): Uncertain significance. Review status: criteria provided, multiple submitters, no conflicts (2 of 4 stars). 2 submissions from 2 submitters: Uncertain significance (2). Last evaluated 2025-11-02.

Conditions:
Hereditary cancer-predisposing syndrome. Also called: Neoplastic Syndromes, Hereditary; Hereditary Cancer Syndrome; Tumor predisposition; Hereditary neoplastic syndrome. Identifiers: Orphanet 140162, MedGen C0027672, MeSH D009386, MONDO:0015356.

Submissions (2):

Ambry Genetics
Classification: Uncertain significance for Hereditary cancer-predisposing syndrome. Last evaluated: 2025-11-02. Review status: criteria provided, single submitter. Criteria: Ambry Variant Classification Scheme 2023. Collection method: clinical testing. Allele origin: germline.
Comment: The p.P856L variant (also known as c.2567C>T), located in coding exon 23 of the POLE gene, results from a C to T substitution at nucleotide position 2567. The proline at codon 856 is replaced by leucine, an amino acid with similar properties. This amino acid position is conserved. In addition, this alteration is predicted to be deleterious by in silico analysis. Based on the available evidence, the clinical significance of this variant remains unclear.

Labcorp Genetics (formerly Invitae), Labcorp
Classification: Uncertain significance. Last evaluated: 2019-02-17. Review status: criteria provided, single submitter. Criteria: Invitae Variant Classification Sherloc (09022015). Collection method: clinical testing. Allele origin: germline.
Comment: In summary, the available evidence is currently insufficient to determine the role of this variant in disease. Therefore, it has been classified as a Variant of Uncertain Significance. Algorithms developed to predict the effect of missense changes on protein structure and function (SIFT, PolyPhen-2, Align-GVGD) all suggest that this variant is likely to be disruptive, but these predictions have not been confirmed by published functional studies and their clinical significance is uncertain. This variant has not been reported in the literature in individuals with POLE-related conditions. This variant is not present in population databases (ExAC no frequency). This sequence change replaces proline with leucine at codon 856 of the POLE protein (p.Pro856Leu). The proline residue is highly conserved and there is a moderate physicochemical difference between proline and leucine.